The following is an entry in ClinVar:

NM_002473.6(MYH9):c.5592+6G>A

Gene: MYH9 (myosin heavy chain 9; minus strand). Cytogenetic location: 22q12.3.
Variant type: single nucleotide variant.
Coding change: c.5592+6G>A on transcript NM_002473.6 (MANE Select); 6 bases into the intron after coding-DNA position 5592, G replaced by A.
Molecular consequence: intron variant.
Genome position (GRCh38, 1-based): chr22:36,284,397, C>T on the plus strand (G>A on the coding strand, the complement: MYH9 is on the minus strand). VCF-style: chr22-36284397-C-T. GRCh37 (hg19) VCF-style: chr22-36680443-C-T.
Identifiers: ClinVar variation 2653098 (VCV002653098.24), dbSNP rs2517945975, ClinGen allele CA2656428147.

ClinVar aggregate classification (germline): Uncertain significance (1 of 4 stars; one submission).

Allele frequency attached by ClinVar (database versions not stated): gnomAD exomes below 0.00001.
gnomAD v4.1: 1 of 1,611,904 alleles (0.000062%); highest among the groups gnomAD compares: Non-Finnish European, 0.000085%; no homozygotes.

Submission:

CeGaT Center for Human Genetics Tuebingen
Classification: Uncertain significance. Last evaluated: 2022-08-01. Review status: criteria provided, single submitter. Criteria: CeGaT Center For Human Genetics Tuebingen Variant Classification Criteria Version 2. Collection method: clinical testing. Allele origin: germline. Affected: yes. Observed: 1 variant allele.
Comment: MYH9: PM2, BP4